The following is an entry in ClinVar:

ClinVar aggregate classification (germline): Likely benign (1 of 4 stars; one submission).

Allele frequency attached by ClinVar (database versions not stated): TOPMed 0.00002; gnomAD 0.00009; gnomAD exomes 0.00017; ExAC 0.00041; 1000 Genomes Project 30x 0.00094; 1000 Genomes Project 0.00100.

Submission:

CeGaT Center for Human Genetics Tuebingen
Classification: Likely benign. Last evaluated: 2022-12-01. Review status: criteria provided, single submitter. Criteria: CeGaT Center For Human Genetics Tuebingen Variant Classification Criteria Version 2. Collection method: clinical testing. Allele origin: germline. Affected: yes. Observed: 1 variant allele.
Comment: USP37: BP4, BP7

NM_020935.3(USP37):c.1293A>G (p.Glu431=)

Gene: USP37 (ubiquitin specific peptidase 37; minus strand). Cytogenetic location: 2q35.
Variant type: single nucleotide variant.
Coding change: c.1293A>G on transcript NM_020935.3 (MANE Select); coding-DNA position 1293, A replaced by G.
Protein change: p.Glu431=; no amino-acid change (glutamic acid 431 retained).
Molecular consequence: synonymous variant.
Genome position (GRCh38, 1-based): chr2:218,495,939, T>C on the plus strand (A>G on the coding strand, the complement: USP37 is on the minus strand). VCF-style: chr2-218495939-T-C. GRCh37 (hg19) VCF-style: chr2-219360662-T-C.
Identifiers: ClinVar variation 2651879 (VCV002651879.24), dbSNP rs534196563, ClinGen allele CA2107220.